The following is an entry in ClinVar:

ClinVar aggregate classification (germline): Conflicting classifications of pathogenicity. Review status: criteria provided, conflicting classifications (1 of 4 stars). 8 submissions from 8 submitters: Uncertain significance (7); Likely benign (1). Last evaluated 2025-03-04.

Conditions:
Junctional epidermolysis bullosa with pyloric atresia. Also called: APLASIA CUTIS CONGENITA WITH GASTROINTESTINAL ATRESIA; Epidermolysis bullosa, junctional, with pyloric atresia and aplasia cutis congenita; Epidermolysis bullosa junctionalis with pyloric atresia; EPIDERMOLYSIS BULLOSA, JUNCTIONAL 5B, WITH PYLORIC ATRESIA; ITGB4-Related Epidermolysis Bullosa with Pyloric Atresia; Junctional Epidermolysis Bullosa- Pyloric Atresia Syndrome. Identifiers: Orphanet 79403, MedGen C5676875, MONDO:0009183, OMIM 226730.
Epidermolysis bullosa, junctional 5A, intermediate. Also called: EPIDERMOLYSIS BULLOSA, JUNCTIONAL 5A, GENERALIZED INTERMEDIATE; EPIDERMOLYSIS BULLOSA, JUNCTIONAL 5A, NON-HERLITZ TYPE. Identifiers: MedGen C5676956, MONDO:0030768, OMIM 619816.

Allele frequency attached by ClinVar (database versions not stated): gnomAD 0.00062 and 0.00138; ExAC 0.00098; 1000 Genomes Project 0.00100; ESP Exome Variant Server 0.00100; 1000 Genomes Project 30x 0.00109; TOPMed 0.00179; gnomAD exomes 0.00057.
gnomAD v4.1: 1,096 of 1,606,602 alleles (0.068%); highest among the groups gnomAD compares: Non-Finnish European, 0.078%; 9 homozygotes.

Submissions (10):

Mayo Clinic Laboratories, Mayo Clinic
Classification: Uncertain significance. Last evaluated: 2025-03-04. Review status: criteria provided, single submitter. Criteria: ACMG Guidelines, 2015. Collection method: clinical testing. Allele origin: germline. Observed: 1 variant allele.
Comment: PM3

CeGaT Center for Human Genetics Tuebingen
Classification: Likely benign. Last evaluated: 2024-09-01. Review status: criteria provided, single submitter. Criteria: CeGaT Center For Human Genetics Tuebingen Variant Classification Criteria Version 2. Collection method: clinical testing. Allele origin: germline. Affected: yes. Observed: 4 variant alleles.
Comment: ITGB4: BP4

Fulgent Genetics
Classification: Uncertain significance for Junctional epidermolysis bullosa with pyloric atresia; Epidermolysis bullosa, junctional 5A, intermediate. Last evaluated: 2024-05-24. Review status: criteria provided, single submitter. Criteria: ACMG Guidelines, 2015. Collection method: clinical testing. Allele origin: germline.

Greenwood Genetic Center Diagnostic Laboratories, Greenwood Genetic Center
Classification: Uncertain significance. Last evaluated: 2022-12-19. Review status: criteria provided, single submitter. Criteria: ACMG Guidelines, 2015. Collection method: clinical testing. Allele origin: germline. Affected: yes.
Comment: BP4

Labcorp Genetics (formerly Invitae), Labcorp
Classification: Uncertain significance. Last evaluated: 2022-08-10. Review status: criteria provided, single submitter. Criteria: Invitae Variant Classification Sherloc (09022015). Collection method: clinical testing. Allele origin: germline.
Comment: This sequence change falls in intron 26 of the ITGB4 gene. It does not directly change the encoded amino acid sequence of the ITGB4 protein. It affects a nucleotide within the consensus splice site. This variant is present in population databases (rs151033645, gnomAD 0.1%), and has an allele count higher than expected for a pathogenic variant. This variant has been observed in individual(s) with clinical features of epidermolysis bullosa (PMID: 11328943). ClinVar contains an entry for this variant (Variation ID: 888918). Variants that disrupt the consensus splice site are a relatively common cause of aberrant splicing (PMID: 17576681, 9536098). Algorithms developed to predict the effect of sequence changes on RNA splicing suggest that this variant is not likely to affect RNA splicing. In summary, the available evidence is currently insufficient to determine the role of this variant in disease. Therefore, it has been classified as a Variant of Uncertain Significance.

Mendelics
Classification: Uncertain significance. Last evaluated: 2022-05-04. Review status: criteria provided, single submitter. Criteria: Mendelics Assertion Criteria 2019. Collection method: clinical testing. Allele origin: germline.

Revvity Omics, Revvity
Classification: Uncertain significance. Last evaluated: 2019-08-08. Review status: criteria provided, single submitter. Criteria: ACMG Guidelines, 2015. Collection method: clinical testing. Allele origin: germline.

Illumina Laboratory Services, Illumina
Classification: Uncertain significance for Junctional epidermolysis bullosa with pyloric atresia. Last evaluated: 2017-04-27. Review status: criteria provided, single submitter. Criteria: ICSL Variant Classification Criteria 13 December 2019. Collection method: clinical testing. Allele origin: germline.

Dr. Peter K. Rogan Lab, Western University
No classification provided (evidence only). Condition: Familial cancer of breast. Review status: no classification provided. Collection method: in vitro. Allele origin: not applicable. Functional consequence: retained intron. Not counted in ClinVar's aggregate classification.

Dr. Peter K. Rogan Lab, Western University
No classification provided (evidence only). Condition: Gastric cancer. Review status: no classification provided. Collection method: in vitro. Allele origin: not applicable. Functional consequence: retained intron. Not counted in ClinVar's aggregate classification.

Literature cited by the submitters: PubMed 11328943 (cited by Mayo Clinic Laboratories, Mayo Clinic and Labcorp Genetics (formerly Invitae), Labcorp); PubMed 34426522 (cited by Mayo Clinic Laboratories, Mayo Clinic); PubMed 17576681 (cited by Labcorp Genetics (formerly Invitae), Labcorp); PubMed 9536098 (cited by Labcorp Genetics (formerly Invitae), Labcorp).

NM_000213.5(ITGB4):c.3112-3C>T

Gene: ITGB4 (integrin subunit beta 4; plus strand). Cytogenetic location: 17q25.1.
Variant type: single nucleotide variant.
Coding change: c.3112-3C>T on transcript NM_000213.5 (MANE Select); 3 bases into the intron before coding-DNA position 3112, C replaced by T.
Molecular consequence: intron variant.
Genome position (GRCh38, 1-based): chr17:75,748,838, C>T. VCF-style: chr17-75748838-C-T. GRCh37 (hg19) VCF-style: chr17-73744919-C-T.
Other names: p.?; c.3112-3C>T (NM_001005619.2, NM_001005731.3, NM_001438834.1 and 1 more transcripts).
Identifiers: ClinVar variation 888918 (VCV000888918.39), dbSNP rs151033645, ClinGen allele CA8769716.